The following is an entry in ClinVar:

NM_000487.6(ARSA):c.488G>A (p.Cys163Tyr)

Gene: ARSA (arylsulfatase A; minus strand). Cytogenetic location: 22q13.33.
Variant type: single nucleotide variant.
Coding change: c.488G>A on transcript NM_000487.6 (MANE Select); coding-DNA position 488, G replaced by A.
Protein change: p.Cys163Tyr; replaces cysteine 163 with tyrosine.
Molecular consequence: missense variant.
Genome position (GRCh38, 1-based): chr22:50,627,030, C>T on the plus strand (G>A on the coding strand, the complement: ARSA is on the minus strand). VCF-style: chr22-50627030-C-T. GRCh37 (hg19) VCF-style: chr22-51065458-C-T.
Other names: c.488G>A, p.Cys163Tyr (NM_001085425.3, NM_001085426.3, NM_001085427.3); c.230G>A, p.Cys77Tyr (NM_001085428.3, NM_001362782.2); short protein forms C163Y, C77Y.
Identifiers: ClinVar variation 835618 (VCV000835618.6), dbSNP rs1430695346, ClinGen allele CA412177978.

ClinVar aggregate classification (germline): Uncertain significance (1 of 4 stars; one submission).

Conditions:
Metachromatic leukodystrophy (MLD). Also called: CEREBROSIDE SULFATASE DEFICIENCY; METACHROMATIC LEUKOENCEPHALOPATHY; SULFATIDE LIPIDOSIS; ARSA DEFICIENCY; Arylsulfatase A Deficiency; Cerebral sclerosis diffuse metachromatic form. Identifiers: Orphanet 512, MedGen C0023522, MONDO:0018868, OMIM 250100.

Submission:

Labcorp Genetics (formerly Invitae), Labcorp
Classification: Uncertain significance for Metachromatic leukodystrophy. Last evaluated: 2021-09-01. Review status: criteria provided, single submitter. Criteria: Invitae Variant Classification Sherloc (09022015). Collection method: clinical testing. Allele origin: germline.
Comment: This sequence change replaces cysteine with tyrosine at codon 163 of the ARSA protein (p.Cys163Tyr). The cysteine residue is highly conserved and there is a large physicochemical difference between cysteine and tyrosine. This variant is not present in population databases (ExAC no frequency). This variant has not been reported in the literature in individuals affected with ARSA-related conditions. Algorithms developed to predict the effect of missense changes on protein structure and function are either unavailable or do not agree on the potential impact of this missense change (SIFT: "Tolerated"; PolyPhen-2: "Probably Damaging"; Align-GVGD: "Class C0"). In summary, the available evidence is currently insufficient to determine the role of this variant in disease. Therefore, it has been classified as a Variant of Uncertain Significance.